The following is an entry in ClinVar:

ClinVar aggregate classification (germline): Uncertain significance (1 of 4 stars; one submission).

Conditions:
Early Myoclonic Encephalopathy. Identifiers: MedGen C0270855.

Allele frequency attached by ClinVar (database versions not stated): gnomAD exomes 0.00001; ExAC 0.00001.
gnomAD v4.1: 3 of 1,570,620 alleles (0.00019%); highest among the groups gnomAD compares: Admixed American, 0.0061%; no homozygotes.

Submission:

Labcorp Genetics (formerly Invitae), Labcorp
Classification: Uncertain significance for Early Myoclonic Encephalopathy. Last evaluated: 2018-11-16. Review status: criteria provided, single submitter. Criteria: Invitae Variant Classification Sherloc (09022015). Collection method: clinical testing. Allele origin: germline.
Comment: This variant is present in population databases (rs777717621, ExAC 0.009%). In summary, the available evidence is currently insufficient to determine the role of this variant in disease. Therefore, it has been classified as a Variant of Uncertain Significance. Algorithms developed to predict the effect of missense changes on protein structure and function are either unavailable or do not agree on the potential impact of this missense change (SIFT: "Tolerated"; PolyPhen-2: "Possibly Damaging"; Align-GVGD: "Class C0"). This variant has not been reported in the literature in individuals with JMJD1C-related disease. This sequence change replaces tyrosine with phenylalanine at codon 187 of the JMJD1C protein (p.Tyr187Phe). The tyrosine residue is weakly conserved and there is a small physicochemical difference between tyrosine and phenylalanine.

NM_032776.3(JMJD1C):c.560A>T (p.Tyr187Phe)

Gene: JMJD1C (jumonji domain containing 1C; minus strand). Cytogenetic location: 10q21.3.
Variant type: single nucleotide variant.
Coding change: c.560A>T on transcript NM_032776.3 (MANE Select); coding-DNA position 560, A replaced by T.
Protein change: p.Tyr187Phe; replaces tyrosine 187 with phenylalanine.
Molecular consequence: missense variant. On other transcripts: 5 prime UTR variant (3), non-coding transcript variant (1).
Genome position (GRCh38, 1-based): chr10:63,217,325, T>A on the plus strand (A>T on the coding strand, the complement: JMJD1C is on the minus strand). VCF-style: chr10-63217325-T-A. GRCh37 (hg19) VCF-style: chr10-64977085-T-A.
Other names: c.14A>T, p.Tyr5Phe (NM_001282948.2, NM_001318154.2); c.-309A>T (NM_001318153.2); c.446A>T, p.Tyr149Phe (NM_001322252.2); c.-98A>T (NM_001322254.2, NM_001322258.2); short protein forms Y5F, Y149F, Y187F.
Identifiers: ClinVar variation 640690 (VCV000640690.8), dbSNP rs777717621, ClinGen allele CA5519005.
Genomic context (GRCh38, chr10:63,217,325, plus strand): 5'-GTAAACCACTGGGTGGCAGAGTCTTGTCTATATACTCTCACTCTGTATCCATTTAAGGAA[T>A]AAGGACCTTAAAAAAAACACAAGAAACAGAAACATCTTAAATGGAGACATCTTCATTTAA-3'
Protein context (NP_116165.1, residues 177-197): KVQEIFMQGP[Tyr187Phe]SLNGYRVRVY